The following is an entry in ClinVar:

ClinVar aggregate classification (germline): Uncertain significance (1 of 4 stars; one submission).

gnomAD v4.1: 1 of 1,613,154 alleles (0.000062%); highest among the groups gnomAD compares: African/African-American, 0.0013%; no homozygotes.

Submission:

GeneDx
Classification: Uncertain significance. Last evaluated: 2024-09-11. Review status: criteria provided, single submitter. Criteria: GeneDx Variant Classification Process June 2021. Collection method: clinical testing. Allele origin: germline. Affected: yes.
Comment: Not observed at significant frequency in large population cohorts (gnomAD); In silico analysis indicates that this missense variant does not alter protein structure/function; Has not been previously published as pathogenic or benign to our knowledge

NM_005422.4(TECTA):c.1730C>G (p.Ala577Gly)

Genes: TBCEL-TECTA (TBCEL-TECTA readthrough; plus strand), TECTA (tectorin alpha; plus strand). Cytogenetic location: 11q23.3.
Variant type: single nucleotide variant.
Coding change: c.1730C>G on transcript NM_005422.4 (MANE Select); coding-DNA position 1730, C replaced by G.
Protein change: p.Ala577Gly; replaces alanine 577 with glycine.
Molecular consequence: missense variant.
Genome position (GRCh38, 1-based): chr11:121,125,828, C>G. VCF-style: chr11-121125828-C-G. GRCh37 (hg19) VCF-style: chr11-120996537-C-G.
Other names: c.2687C>G, p.Ala896Gly (NM_001378761.1); short protein forms A896G, A577G.
Identifiers: ClinVar variation 3769996 (VCV003769996.1).